The following is an entry in ClinVar:

NM_006852.6(TLK2):c.-6+1G>T

Genes: TLK2 (tousled like kinase 2; plus strand), LOC130061370 (ATAC-STARR-seq lymphoblastoid silent region 8808; plus strand). Cytogenetic location: 17q23.2.
Variant type: single nucleotide variant.
Coding change: c.-6+1G>T on transcript NM_006852.6 (MANE Select); the canonical splice donor site of the intron after 6 bases upstream of the start codon, G replaced by T.
Molecular consequence: splice donor variant. On other transcripts: intron variant (1).
Genome position (GRCh38, 1-based): chr17:62,479,291, G>T. VCF-style: chr17-62479291-G-T. GRCh37 (hg19) VCF-style: chr17-60556652-G-T.
Other names: c.-3+1210G>T (NM_001375271.1); c.-500+1G>T (NM_001375273.1); c.-3+1G>T (NM_001375270.1, NM_001375272.1, NM_001411074.1 and 1 more transcripts); c.-503+1G>T (NM_001330418.3).
Identifiers: ClinVar variation 1806738 (VCV001806738.1), dbSNP rs2544476200, ClinGen allele CA2580094536.

ClinVar aggregate classification (germline): Uncertain significance (1 of 4 stars; one submission).

Submission:

GeneDx
Classification: Uncertain significance. Last evaluated: 2022-06-21. Review status: criteria provided, single submitter. Criteria: GeneDx Variant Classification Process June 2021. Collection method: clinical testing. Allele origin: germline. Affected: yes.
Comment: Canonical splice site variant in a gene or region of a gene for which loss of function is not a well-established mechanism of disease; No data available from control populations to assess the frequency of this variant; Has not been previously published as pathogenic or benign to our knowledge